The following is an entry in ClinVar:

NM_001042492.3(NF1):c.2095G>C (p.Asp699His)

Gene: NF1 (neurofibromin 1; plus strand). Cytogenetic location: 17q11.2.
Variant type: single nucleotide variant.
Coding change: c.2095G>C on transcript NM_001042492.3 (MANE Select); coding-DNA position 2095, G replaced by C.
Protein change: p.Asp699His; replaces aspartic acid 699 with histidine.
Molecular consequence: missense variant.
Genome position (GRCh38, 1-based): chr17:31,226,528, G>C. VCF-style: chr17-31226528-G-C. GRCh37 (hg19) VCF-style: chr17-29553546-G-C.
Other names: c.2095G>C, p.Asp699His (NM_000267.4); short protein forms D699H.
Identifiers: ClinVar variation 2726275 (VCV002726275.4), dbSNP rs1411913425, ClinGen allele CA398982245.

ClinVar aggregate classification (germline): Uncertain significance. Review status: criteria provided, multiple submitters, no conflicts (2 of 4 stars). 2 submissions from 2 submitters: Uncertain significance (2). Last evaluated 2023-06-28.

Conditions:
Cardiovascular phenotype. Identifiers: MedGen CN230736.
Hereditary cancer-predisposing syndrome. Also called: Hereditary neoplastic syndrome; Hereditary Cancer Syndrome; Neoplastic Syndromes, Hereditary; Tumor predisposition. Identifiers: Orphanet 140162, MedGen C0027672, MeSH D009386, MONDO:0015356.
Neurofibromatosis, type 1 (NF1). Also called: Neurofibromatosis, type I; NEUROFIBROMATOSIS, TYPE I, SOMATIC; Peripheral type neurofibromatosis; VON RECKLINGHAUSEN DISEASE. Identifiers: Orphanet 636, MedGen C0027831, MONDO:0018975, OMIM 162200. Disease mechanism: loss of function.

Submissions (2):

Ambry Genetics
Classification: Uncertain significance for Cardiovascular phenotype; Hereditary cancer-predisposing syndrome. Last evaluated: 2023-06-28. Review status: criteria provided, single submitter. Criteria: Ambry Variant Classification Scheme 2023. Collection method: clinical testing. Allele origin: germline.
Comment: The p.D699H variant (also known as c.2095G>C), located in coding exon 18 of the NF1 gene, results from a G to C substitution at nucleotide position 2095. The aspartic acid at codon 699 is replaced by histidine, an amino acid with similar properties. This amino acid position is conserved. In addition, this alteration is predicted to be deleterious by in silico analysis. Since supporting evidence is limited at this time, the clinical significance of this alteration remains unclear.

Labcorp Genetics (formerly Invitae), Labcorp
Classification: Uncertain significance for Neurofibromatosis, type 1. Last evaluated: 2023-06-04. Review status: criteria provided, single submitter. Criteria: Invitae Variant Classification Sherloc (09022015). Collection method: clinical testing. Allele origin: germline.
Comment: This sequence change replaces aspartic acid, which is acidic and polar, with histidine, which is basic and polar, at codon 699 of the NF1 protein (p.Asp699His). This variant is not present in population databases (gnomAD no frequency). This variant has not been reported in the literature in individuals affected with NF1-related conditions. Advanced modeling of protein sequence and biophysical properties (such as structural, functional, and spatial information, amino acid conservation, physicochemical variation, residue mobility, and thermodynamic stability) performed at Invitae indicates that this missense variant is expected to disrupt NF1 protein function. In summary, the available evidence is currently insufficient to determine the role of this variant in disease. Therefore, it has been classified as a Variant of Uncertain Significance.